The following is an entry in ClinVar:

ClinVar aggregate classification (germline): Likely benign. Review status: criteria provided, multiple submitters, no conflicts (2 of 4 stars). 2 submissions from 2 submitters: Likely benign (2). Last evaluated 2026-02-01.

gnomAD v4.1: 149 of 1,614,044 alleles (0.0092%); highest among the groups gnomAD compares: Non-Finnish European, 0.012%; no homozygotes.

Submissions (2):

CeGaT Center for Human Genetics Tuebingen
Classification: Likely benign. Last evaluated: 2026-02-01. Review status: criteria provided, single submitter. Criteria: CeGaT Center For Human Genetics Tuebingen Variant Classification Criteria Version 2. Collection method: clinical testing. Allele origin: germline. Affected: yes. Observed: 1 variant allele.
Comment: CASZ1: BP4, BP7

Blueprint Genetics
Classification: Likely benign. Last evaluated: 2024-10-31. Review status: criteria provided, single submitter. Criteria: ACMG Guidelines, 2015. Collection method: clinical testing. Allele origin: germline.

NM_001079843.3(CASZ1):c.1530C>T (p.Arg510=)

Gene: CASZ1 (castor zinc finger 1; minus strand). Cytogenetic location: 1p36.22.
Variant type: single nucleotide variant.
Coding change: c.1530C>T on transcript NM_001079843.3 (MANE Select); coding-DNA position 1530, C replaced by T.
Protein change: p.Arg510=; no amino-acid change (arginine 510 retained).
Molecular consequence: synonymous variant.
Genome position (GRCh38, 1-based): chr1:10,655,784, G>A on the plus strand (C>T on the coding strand, the complement: CASZ1 is on the minus strand). VCF-style: chr1-10655784-G-A. GRCh37 (hg19) VCF-style: chr1-10715841-G-A.
Other names: c.1530C>T, p.Arg510= (NM_017766.5).
Identifiers: ClinVar variation 4821761 (VCV004821761.5).